The following is an entry in ClinVar:

NM_001367561.1(DOCK7):c.6338T>C (p.Ile2113Thr)

Gene: DOCK7 (dedicator of cytokinesis 7; minus strand). Cytogenetic location: 1p31.3.
Variant type: single nucleotide variant.
Coding change: c.6338T>C on transcript NM_001367561.1 (MANE Select); coding-DNA position 6338, T replaced by C.
Protein change: p.Ile2113Thr; replaces isoleucine 2113 with threonine.
Molecular consequence: missense variant.
Genome position (GRCh38, 1-based): chr1:62,457,580, A>G on the plus strand (T>C on the coding strand, the complement: DOCK7 is on the minus strand). VCF-style: chr1-62457580-A-G. GRCh37 (hg19) VCF-style: chr1-62923251-A-G.
Other names: c.6305T>C, p.Ile2102Thr (NM_001271999.2); c.6218T>C, p.Ile2073Thr (NM_001272000.2); c.6212T>C, p.Ile2071Thr (NM_001272001.2); c.6311T>C, p.Ile2104Thr (NM_001330614.2); c.6245T>C, p.Ile2082Thr (NM_033407.4); short protein forms I2071T, I2082T, I2113T, I2073T, I2104T, I2102T.
Identifiers: ClinVar variation 4795561 (VCV004795561.1).

ClinVar aggregate classification (germline): Uncertain significance (1 of 4 stars; one submission).

Submission:

GeneDx
Classification: Uncertain significance. Last evaluated: 2025-08-13. Review status: criteria provided, single submitter. Criteria: GeneDx Variant Classification Process June 2021. Collection method: clinical testing. Allele origin: germline. Affected: yes.
Comment: Not observed at significant frequency in large population cohorts (gnomAD); In silico analysis supports that this missense variant has a deleterious effect on protein structure/function; Has not been previously published as pathogenic or benign to our knowledge